The following is an entry in ClinVar:

ClinVar aggregate classification (germline): Uncertain significance. Review status: criteria provided, multiple submitters, no conflicts (2 of 4 stars). 2 submissions from 2 submitters: Uncertain significance (2). Last evaluated 2025-04-19.

Conditions:
Inborn genetic diseases. Identifiers: MedGen C0950123, MeSH D030342.

Allele frequency attached by ClinVar (database versions not stated): gnomAD exomes below 0.00001.

Submissions (2):

Ambry Genetics
Classification: Uncertain significance for Inborn genetic diseases. Last evaluated: 2025-04-19. Review status: criteria provided, single submitter. Criteria: Ambry Variant Classification Scheme 2023. Collection method: clinical testing. Allele origin: germline.

Labcorp Genetics (formerly Invitae), Labcorp
Classification: Uncertain significance. Last evaluated: 2024-10-15. Review status: criteria provided, single submitter. Criteria: Invitae Variant Classification Sherloc (09022015). Collection method: clinical testing. Allele origin: germline.
Comment: This sequence change replaces arginine, which is basic and polar, with histidine, which is basic and polar, at codon 1194 of the KIAA1549 protein (p.Arg1194His). This variant is present in population databases (no rsID available, gnomAD 0.003%). This variant has not been reported in the literature in individuals affected with KIAA1549-related conditions. ClinVar contains an entry for this variant (Variation ID: 1950899). An algorithm developed to predict the effect of missense changes on protein structure and function (PolyPhen-2) suggests that this variant is likely to be disruptive. In summary, the available evidence is currently insufficient to determine the role of this variant in disease. Therefore, it has been classified as a Variant of Uncertain Significance.

NM_001164665.2(KIAA1549):c.3581G>A (p.Arg1194His)

Gene: KIAA1549 (KIAA1549; minus strand). Cytogenetic location: 7q34.
Variant type: single nucleotide variant.
Coding change: c.3581G>A on transcript NM_001164665.2 (MANE Select); coding-DNA position 3581, G replaced by A.
Protein change: p.Arg1194His; replaces arginine 1194 with histidine.
Molecular consequence: missense variant.
Genome position (GRCh38, 1-based): chr7:138,903,676, C>T on the plus strand (G>A on the coding strand, the complement: KIAA1549 is on the minus strand). VCF-style: chr7-138903676-C-T. GRCh37 (hg19) VCF-style: chr7-138588422-C-T.
Other names: c.3581G>A, p.Arg1194His (NM_020910.3); c.3581G>A (NM_001164665.1); short protein forms R1194H.
Identifiers: ClinVar variation 1950899 (VCV001950899.5), dbSNP rs1478901892, ClinGen allele CA369382223.